The following is an entry in ClinVar:

NM_004722.4(AP4M1):c.1176G>A (p.Gly392=)

Gene: AP4M1 (adaptor related protein complex 4 subunit mu 1; plus strand). Cytogenetic location: 7q22.1.
Variant type: single nucleotide variant.
Coding change: c.1176G>A on transcript NM_004722.4 (MANE Select); coding-DNA position 1176, G replaced by A.
Protein change: p.Gly392=; no amino-acid change (glycine 392 retained).
Molecular consequence: synonymous variant.
Genome position (GRCh38, 1-based): chr7:100,106,696, G>A. VCF-style: chr7-100106696-G-A. GRCh37 (hg19) VCF-style: chr7-99704319-G-A.
Other names: c.1197G>A, p.Gly399= (NM_001363671.2).
Identifiers: ClinVar variation 1914992 (VCV001914992.5), dbSNP rs753556157, ClinGen allele CA4375018.

ClinVar aggregate classification (germline): Uncertain significance (1 of 4 stars; one submission).

Conditions:
Hereditary spastic paraplegia 50 (SPG50). Also called: Spastic paraplegia 50, autosomal recessive. Identifiers: Orphanet 280763, MedGen C2752008, MONDO:0013048, OMIM 612936.

Allele frequency attached by ClinVar (database versions not stated): gnomAD exomes below 0.00001; ExAC 0.00001.

Submission:

Labcorp Genetics (formerly Invitae), Labcorp
Classification: Uncertain significance for Hereditary spastic paraplegia 50. Last evaluated: 2022-09-13. Review status: criteria provided, single submitter. Criteria: Invitae Variant Classification Sherloc (09022015). Collection method: clinical testing. Allele origin: germline.
Comment: In summary, the available evidence is currently insufficient to determine the role of this variant in disease. Therefore, it has been classified as a Variant of Uncertain Significance. Algorithms developed to predict the effect of sequence changes on RNA splicing suggest that this variant may disrupt the consensus splice site. This variant has not been reported in the literature in individuals affected with AP4M1-related conditions. This variant is present in population databases (rs753556157, gnomAD 0.003%). This sequence change affects codon 392 of the AP4M1 mRNA. It is a 'silent' change, meaning that it does not change the encoded amino acid sequence of the AP4M1 protein.